The following is an entry in ClinVar:

NM_001754.5(RUNX1):c.764_765del (p.His255fs)

Gene: RUNX1 (RUNX family transcription factor 1; minus strand). Cytogenetic location: 21q22.12.
Variant type: Deletion.
Coding change: c.764_765del on transcript NM_001754.5 (MANE Select); coding-DNA positions 764 to 765, 2 bases deleted (AC; older notation c.764_765delAC).
Protein change: p.His255fs; shifts the reading frame from histidine 255.
Molecular consequence: frameshift variant.
Genome position (GRCh38, 1-based): chr21:34,834,450-34,834,451, GT deleted on the plus strand (AC on the coding strand, the reverse complement: RUNX1 is on the minus strand); deleting any 2 consecutive bases within chr21:34,834,450-34,834,452 gives the same sequence; the c. name uses the placement nearest the transcript's 3' end. VCF-style (leftmost placement, unchanged base first): chr21-34834449-AGT-A. GRCh37 (hg19) VCF-style: chr21-36206746-AGT-A.
Other names: NM_001754.5(RUNX1):c.764_765del; p.His255fs; c.683_684del, p.His228fs (NM_001001890.3, NM_001122607.2); short protein forms H228fs, H255fs.
Identifiers: ClinVar variation 3725077 (VCV003725077.3).
Genomic context (GRCh38, chr21:34,834,449, plus strand): 5'-TGGGCTCCATCTGGTACTTACCCTGCATCTGACTCTGAGGCTGAGGGTTAAAGGCAGTGG[AGT>A]GGTTCAGGGAGGCACGAGGGTTGGGCGTGGGGGCTGGGTGGTGTGGGCTGACCCTCATGG-3'

ClinVar aggregate classification (germline): Pathogenic. Review status: reviewed by expert panel (3 of 4 stars). 2 submissions from 2 submitters: Pathogenic (1). 1 of the submissions does not count toward it. Last evaluated 2025-05-02.

Conditions:
Hereditary thrombocytopenia and hematological cancer predisposition syndrome associated with RUNX1. Also called: RUNX1 Familial Platelet Disorder with Associated Myeloid Malignancies; Familial Platelet Disorder with Propensity to Acute Myelogenous Leukemia; Familial thrombocytopenia with propensity to acute myelogenous leukemia; PLATELET DISORDER, ASPIRIN-LIKE. Identifiers: Orphanet 71290, MedGen C1832388, MeSH C563324, MONDO:0100083, OMIM 601399.
Hereditary thrombocytopenia and hematologic cancer predisposition syndrome. Identifiers: Orphanet 71290, MedGen CN281654, MONDO:0011071.

Submissions (2):

ClinGen Myeloid Malignancy Variant Curation Expert Panel
Classification: Pathogenic for Hereditary thrombocytopenia and hematologic cancer predisposition syndrome. Last evaluated: 2025-05-02. Review status: reviewed by expert panel. Criteria: ClinGen MyeloMalig ACMG Specifications v2. Collection method: curation. Allele origin: germline. Inheritance: Autosomal dominant inheritance.
Comment: NM_001754.5(RUNX1):c.764_765del (p.His255fs) is a frameshift variant which is predicted to undergo nonsense-mediated decay in a gene in which loss-of-function is an established mechanism (frameshift (+) c.98–c.779 as per VCEP specifications) (PVS1). This variant is completely absent from all population databases with at least 20x coverage for RUNX1 (PM2_Supporting). This variant is downstream of c.98 (PM5_Supporting). In summary, this variant meets criteria to be classified as pathogenic. ACMG/AMP criteria applied, as specified by the Myeloid Malignancy Variant Curation Expert Panel for RUNX1: PVS1, PM2_Supporting, PM5_Supporting.

Labcorp Genetics (formerly Invitae), Labcorp
Classification: Pathogenic for Hereditary thrombocytopenia and hematological cancer predisposition syndrome associated with RUNX1. Last evaluated: 2024-11-13. Review status: criteria provided, single submitter. Criteria: Invitae Variant Classification Sherloc (09022015). Collection method: clinical testing. Allele origin: germline. Not counted in ClinVar's aggregate classification.
Comment: This sequence change creates a premature translational stop signal (p.His255Leufs*5) in the RUNX1 gene. It is expected to result in an absent or disrupted protein product. Loss-of-function variants in RUNX1 are known to be pathogenic (PMID: 18723428, 24100448). This variant is not present in population databases (gnomAD no frequency). This variant has not been reported in the literature in individuals affected with RUNX1-related conditions. Algorithms developed to predict the effect of sequence changes on RNA splicing suggest that this variant may disrupt the consensus splice site. For these reasons, this variant has been classified as Pathogenic.

Literature cited by the submitters: PubMed 18723428 (cited by Labcorp Genetics (formerly Invitae), Labcorp); PubMed 24100448 (cited by Labcorp Genetics (formerly Invitae), Labcorp).